The following is an entry in ClinVar:

NM_001206979.2(NR1H4):c.1079-6C>T

Gene: NR1H4 (nuclear receptor subfamily 1 group H member 4; plus strand). Cytogenetic location: 12q23.1.
Variant type: single nucleotide variant.
Coding change: c.1079-6C>T on transcript NM_001206979.2 (MANE Select); 6 bases into the intron before coding-DNA position 1079, C replaced by T.
Molecular consequence: intron variant.
Genome position (GRCh38, 1-based): chr12:100,561,879, C>T. VCF-style: chr12-100561879-C-T. GRCh37 (hg19) VCF-style: chr12-100955657-C-T.
Other names: c.1079-6C>T (NM_001206977.2); c.1067-6C>T (NM_005123.4); c.926-6C>T (NM_001206978.2); c.1109-6C>T (NM_001206993.2); c.1097-6C>T (NM_001206992.2).
Identifiers: ClinVar variation 4987224 (VCV004987224.1).

ClinVar aggregate classification (germline): Likely benign (1 of 4 stars; one submission).

Conditions:
NR1H4-related disorder. Also called: NR1H4-related condition.

gnomAD v4.1: 3 of 1,119,662 alleles (0.00027%); highest among the groups gnomAD compares: African/African-American, 0.0015%; no homozygotes.

Submission:

PreventionGenetics, part of Exact Sciences
Classification: Likely benign for NR1H4-related condition. Last evaluated: 2025-08-27. Review status: criteria provided, single submitter. Criteria: ACMG Guidelines, 2015. Collection method: clinical testing. Allele origin: germline.
Comment: This variant is classified as likely benign based on ACMG/AMP sequence variant interpretation guidelines (Richards et al. 2015 PMID: 25741868, with internal and published modifications).